The following is an entry in ClinVar:

ClinVar aggregate classification (germline): Likely benign (1 of 4 stars; one submission).

Conditions:
Malignant hyperthermia, susceptibility to, 5 (MHS5). Also called: CACNA1S-Related Malignant Hyperthermia Susceptibility. Identifiers: Orphanet 423, MedGen C1866077, MONDO:0011163, OMIM 601887.

gnomAD v4.1: 2 of 1,614,236 alleles (0.00012%); highest among the groups gnomAD compares: Non-Finnish European, 0.00017%; no homozygotes.

Submission:

All of Us Research Program, National Institutes of Health
Classification: Likely benign for Malignant hyperthermia, susceptibility to, 5. Last evaluated: 2023-08-15. Review status: criteria provided, single submitter. Criteria: ACMG Guidelines, 2015. Collection method: clinical testing. Allele origin: germline. Inheritance: Autosomal dominant inheritance. Observed: 2 variant alleles, 2 heterozygotes.
Comment: This study involves interpretation of variants in research participants for the purpose of population health screening. Participant phenotype was not available at the time of variant classification. Additional details can be found in publication PMID: 35346344, PMCID: PMC8962531

NM_000069.3(CACNA1S):c.5448T>C (p.Asp1816=)

Gene: CACNA1S (calcium voltage-gated channel subunit alpha1 S; minus strand). Cytogenetic location: 1q32.1.
Variant type: single nucleotide variant.
Coding change: c.5448T>C on transcript NM_000069.3 (MANE Select); coding-DNA position 5448, T replaced by C.
Protein change: p.Asp1816=; no amino-acid change (aspartic acid 1816 retained).
Molecular consequence: synonymous variant.
Genome position (GRCh38, 1-based): chr1:201,040,005, A>G on the plus strand (T>C on the coding strand, the complement: CACNA1S is on the minus strand). VCF-style: chr1-201040005-A-G. GRCh37 (hg19) VCF-style: chr1-201009133-A-G.
Identifiers: ClinVar variation 3069331 (VCV003069331.1), dbSNP rs2464387145, ClinGen allele CA422815129.
Genomic context (GRCh38, chr1:201,040,005, plus strand): 5'-TCGTCCTTTCAGTAGCTCTGTTGCCATGATCTCCACTTCCTCTGGTTCCATTTGGCAGGC[A>G]TCTGCCAGGGCCTGGCCTGTTGCCATGATGAAGTTTGCATCAGCTGCCAAGGTGCCCAGG-3'
Protein context (NP_000060.2, residues 1806-1826): FIMATGQALA[Asp1816=]ACQMEPEEVE